The following is an entry in ClinVar:

ClinVar aggregate classification (germline): Uncertain significance (1 of 4 stars; one submission).

Conditions:
Vici syndrome (VICIS). Identifiers: Orphanet 1493, MedGen C1855772, MONDO:0009452, OMIM 242840.

Allele frequency attached by ClinVar (database versions not stated): gnomAD exomes below 0.00001.
gnomAD v4.1: 1 of 1,610,698 alleles (0.000062%); highest among the groups gnomAD compares: Non-Finnish European, 0.000085%; no homozygotes.

Submission:

Labcorp Genetics (formerly Invitae), Labcorp
Classification: Uncertain significance for Vici syndrome. Last evaluated: 2019-05-20. Review status: criteria provided, single submitter. Criteria: Invitae Variant Classification Sherloc (09022015). Collection method: clinical testing. Allele origin: germline.
Comment: This sequence change affects codon 1128 of the EPG5 mRNA. It is a 'silent' change, meaning that it does not change the encoded amino acid sequence of the EPG5 protein. This variant also falls at the last nucleotide of exon 18 of the EPG5 coding sequence, which is part of the consensus splice site for this exon. This variant is not present in population databases (ExAC no frequency). This variant has not been reported in the literature in individuals with EPG5-related conditions. Nucleotide substitutions within the consensus splice site are a relatively common cause of aberrant splicing (PMID: 17576681, 9536098). Algorithms developed to predict the effect of sequence changes on RNA splicing suggest that this variant may disrupt the consensus splice site, but this prediction has not been confirmed by published transcriptional studies. In summary, the available evidence is currently insufficient to determine the role of this variant in disease. Therefore, it has been classified as a Variant of Uncertain Significance.

Literature cited by the submitters: PubMed 17576681; PubMed 9536098.

NM_020964.3(EPG5):c.3384G>A (p.Gln1128=)

Gene: EPG5 (ectopic P-granules 5 autophagy tethering factor; minus strand). Cytogenetic location: 18q21.1.
Variant type: single nucleotide variant.
Coding change: c.3384G>A on transcript NM_020964.3 (MANE Select); coding-DNA position 3384, G replaced by A.
Protein change: p.Gln1128=; no amino-acid change (glutamine 1128 retained).
Molecular consequence: synonymous variant.
Genome position (GRCh38, 1-based): chr18:45,916,438, C>T on the plus strand (G>A on the coding strand, the complement: EPG5 is on the minus strand). VCF-style: chr18-45916438-C-T. GRCh37 (hg19) VCF-style: chr18-43496403-C-T.
Identifiers: ClinVar variation 834966 (VCV000834966.4), dbSNP rs2050035169, ClinGen allele CA503983448.